The following is an entry in ClinVar:

ClinVar aggregate classification (germline): Uncertain significance. Review status: criteria provided, multiple submitters, no conflicts (2 of 4 stars). 7 submissions from 4 submitters: Uncertain significance (7). Last evaluated 2024-12-25.

Conditions:
Inborn genetic diseases. Identifiers: MedGen C0950123, MeSH D030342.
Thyrotoxic periodic paralysis, susceptibility to, 1 (TTPP1). Identifiers: Orphanet 79102, MedGen C2749982, MONDO:0008570, OMIM 188580.
Hypokalemic periodic paralysis, type 1. Also called: Hypokalemic Periodic Paralysis Type 1 (AD); HypoPP. Identifiers: Orphanet 681, MedGen C3714580, MONDO:0042979, OMIM 170400.
Malignant hyperthermia, susceptibility to, 5 (MHS5). Also called: CACNA1S-Related Malignant Hyperthermia Susceptibility. Identifiers: Orphanet 423, MedGen C1866077, MONDO:0011163, OMIM 601887.
Congenital myopathy 18. Also called: DIHYDROPYRIDINE RECEPTOR CONGENITAL MYOPATHY; DHPR CONGENITAL MYOPATHY; Myopathy, congenital, due to dihydropyridine receptor defect. Identifiers: MedGen C5830283, MONDO:0859514, OMIM 620246.

Allele frequency attached by ClinVar (database versions not stated): gnomAD exomes below 0.00001.
gnomAD v4.1: 1 of 1,613,900 alleles (0.000062%); highest among the groups gnomAD compares: Non-Finnish European, 0.000085%; no homozygotes.

Submissions (7):

Ambry Genetics
Classification: Uncertain significance for Inborn genetic diseases. Last evaluated: 2024-12-25. Review status: criteria provided, single submitter. Criteria: Ambry Variant Classification Scheme 2023. Collection method: clinical testing. Allele origin: germline.

Genome-Nilou Lab
Classification: Uncertain significance for Malignant hyperthermia, susceptibility to, 5. Last evaluated: 2023-04-11. Review status: criteria provided, single submitter. Criteria: ACMG Guidelines, 2015. Collection method: clinical testing. Allele origin: germline. Affected: no.

Genome-Nilou Lab
Classification: Uncertain significance for Thyrotoxic periodic paralysis, susceptibility to, 1. Last evaluated: 2023-04-11. Review status: criteria provided, single submitter. Criteria: ACMG Guidelines, 2015. Collection method: clinical testing. Allele origin: germline. Affected: no.

Genome-Nilou Lab
Classification: Uncertain significance for Congenital myopathy 18. Last evaluated: 2023-04-11. Review status: criteria provided, single submitter. Criteria: ACMG Guidelines, 2015. Collection method: clinical testing. Allele origin: germline. Affected: no.

Genome-Nilou Lab
Classification: Uncertain significance for Hypokalemic periodic paralysis, type 1. Last evaluated: 2023-04-11. Review status: criteria provided, single submitter. Criteria: ACMG Guidelines, 2015. Collection method: clinical testing. Allele origin: germline. Affected: no.

Fulgent Genetics
Classification: Uncertain significance for Hypokalemic periodic paralysis, type 1; Thyrotoxic periodic paralysis, susceptibility to, 1; Malignant hyperthermia, susceptibility to, 5. Last evaluated: 2021-10-11. Review status: criteria provided, single submitter. Criteria: ACMG Guidelines, 2015. Collection method: clinical testing. Allele origin: unknown.

Labcorp Genetics (formerly Invitae), Labcorp
Classification: Uncertain significance for Hypokalemic periodic paralysis, type 1; Malignant hyperthermia, susceptibility to, 5. Last evaluated: 2019-05-12. Review status: criteria provided, single submitter. Criteria: Invitae Variant Classification Sherloc (09022015). Collection method: clinical testing. Allele origin: germline.
Comment: This variant is not present in population databases (ExAC no frequency). In summary, the available evidence is currently insufficient to determine the role of this variant in disease. Therefore, it has been classified as a Variant of Uncertain Significance. Algorithms developed to predict the effect of missense changes on protein structure and function output the following: SIFT: "Tolerated"; PolyPhen-2: "Benign"; Align-GVGD: "Class C0". The arginine amino acid residue is found in multiple mammalian species, suggesting that this missense change does not adversely affect protein function. These predictions have not been confirmed by published functional studies and their clinical significance is uncertain. This variant has not been reported in the literature in individuals with CACNA1S-related conditions. This sequence change replaces histidine with arginine at codon 1768 of the CACNA1S protein (p.His1768Arg). The histidine residue is weakly conserved and there is a small physicochemical difference between histidine and arginine.

NM_000069.3(CACNA1S):c.5303A>G (p.His1768Arg)

Gene: CACNA1S (calcium voltage-gated channel subunit alpha1 S; minus strand). Cytogenetic location: 1q32.1.
Variant type: single nucleotide variant.
Coding change: c.5303A>G on transcript NM_000069.3 (MANE Select); coding-DNA position 5303, A replaced by G.
Protein change: p.His1768Arg; replaces histidine 1768 with arginine.
Molecular consequence: missense variant.
Genome position (GRCh38, 1-based): chr1:201,040,298, T>C on the plus strand (A>G on the coding strand, the complement: CACNA1S is on the minus strand). VCF-style: chr1-201040298-T-C. GRCh37 (hg19) VCF-style: chr1-201009426-T-C.
Other names: short protein forms H1768R.
Identifiers: ClinVar variation 846213 (VCV000846213.13), dbSNP rs1255660415, ClinGen allele CA344130824.